The following is an entry in ClinVar:

NM_000053.4(ATP7B):c.3258G>A (p.Glu1086=)

Gene: ATP7B (ATPase copper transporting beta; minus strand). Cytogenetic location: 13q14.3.
Variant type: single nucleotide variant.
Coding change: c.3258G>A on transcript NM_000053.4 (MANE Select); coding-DNA position 3258, G replaced by A.
Protein change: p.Glu1086=; no amino-acid change (glutamic acid 1086 retained).
Molecular consequence: synonymous variant.
Genome position (GRCh38, 1-based): chr13:51,942,540, C>T on the plus strand (G>A on the coding strand, the complement: ATP7B is on the minus strand). VCF-style: chr13-51942540-C-T. GRCh37 (hg19) VCF-style: chr13-52516676-C-T.
Other names: c.2637G>A, p.Glu879= (NM_001005918.3); c.2925G>A, p.Glu975= (NM_001243182.2); c.3024G>A, p.Glu1008= (NM_001330578.2, NM_001406527.1, NM_001406528.1 and 1 more transcripts); c.3006G>A, p.Glu1002= (NM_001330579.2, NM_001406531.1, NM_001406532.1); c.3258G>A, p.Glu1086= (NM_001406511.1, NM_001406512.1, NM_001406526.1); c.3252G>A, p.Glu1084= (NM_001406513.1); c.3225G>A, p.Glu1075= (NM_001406514.1); c.3204G>A, p.Glu1068= (NM_001406515.1, NM_001406516.1); and 19 more.
Identifiers: ClinVar variation 3073506 (VCV003073506.1), dbSNP rs2547613878, ClinGen allele CA483894517.
Genomic context (GRCh38, chr13:51,942,540, plus strand): 5'-GACTTTGCACCCAATTCCACAGCCTGGCACTGCCTGGAAGTCCGTGCAGTATCCCAAGGT[C>T]TCTGTTCCAAGTTCCTGGGAAGGTGGAAAGAGAGGAAGAGGAAACTGTAAGCCAAGAGGG-3'
Protein context (NP_000044.2, residues 1076-1096): TKYCKEELGT[Glu1086=]TLGYCTDFQA

ClinVar aggregate classification (germline): Likely benign (1 of 4 stars; one submission).

Conditions:
Wilson disease (WND). Also called: Wilson's disease. Identifiers: Orphanet 905, MedGen C0019202, MONDO:0010200, OMIM 277900. Disease mechanism: loss of function.

gnomAD v4.1: 1 of 1,614,078 alleles (0.000062%); no homozygotes.

Submission:

All of Us Research Program, National Institutes of Health
Classification: Likely benign for Wilson disease. Last evaluated: 2023-10-02. Review status: criteria provided, single submitter. Criteria: ACMG Guidelines, 2015. Collection method: clinical testing. Allele origin: germline. Inheritance: Autosomal recessive inheritance. Observed: 1 variant allele, 1 heterozygote.
Comment: This study involves interpretation of variants in research participants for the purpose of population health screening. Participant phenotype was not available at the time of variant classification. Additional details can be found in publication PMID: 35346344, PMCID: PMC8962531